The following is an entry in ClinVar:

ClinVar aggregate classification (germline): Conflicting classifications of pathogenicity. Review status: criteria provided, conflicting classifications (1 of 4 stars). 2 submissions from 2 submitters: Uncertain significance (1); Likely benign (1). Last evaluated 2023-07-14.

Allele frequency attached by ClinVar (database versions not stated): ExAC 0.00004; gnomAD 0.00005; ESP Exome Variant Server 0.00008; TOPMed 0.00012.
gnomAD v4.1: 25 of 1,614,008 alleles (0.0015%); highest among the groups gnomAD compares: African/African-American, 0.02%; no homozygotes.

Submissions (2):

Labcorp Genetics (formerly Invitae), Labcorp
Classification: Uncertain significance. Last evaluated: 2023-07-14. Review status: criteria provided, single submitter. Criteria: Invitae Variant Classification Sherloc (09022015). Collection method: clinical testing. Allele origin: germline.
Comment: This sequence change replaces glycine, which is neutral and non-polar, with serine, which is neutral and polar, at codon 1113 of the FAT2 protein (p.Gly1113Ser). In summary, the available evidence is currently insufficient to determine the role of this variant in disease. Therefore, it has been classified as a Variant of Uncertain Significance. Advanced modeling of protein sequence and biophysical properties (such as structural, functional, and spatial information, amino acid conservation, physicochemical variation, residue mobility, and thermodynamic stability) performed at Invitae indicates that this missense variant is not expected to disrupt FAT2 protein function. ClinVar contains an entry for this variant (Variation ID: 2429183). This variant has not been reported in the literature in individuals affected with FAT2-related conditions. This variant is present in population databases (rs374886263, gnomAD 0.03%).

Women's Health and Genetics/Laboratory Corporation of America, LabCorp
Classification: Likely benign. Last evaluated: 2023-01-26. Review status: criteria provided, single submitter. Criteria: LabCorp Variant Classification Summary - May 2015. Collection method: clinical testing. Allele origin: germline.
Comment: Variant summary: FAT2 c.3337G>A (p.Gly1113Ser) results in a non-conservative amino acid change located in the 9th cadherin-like repeat (IPR002126, UniProt) of the encoded protein sequence. Four of five in-silico tools predict a damaging effect of the variant on protein function. The variant allele was found at a frequency of 2.4e-05 in 251432 control chromosomes (i.e. 6 carriers) in gnomAD v2.1. In addition the variant is also reported in 7 carriers in the gnomAD v3.1 (non-v2) dataset. These data suggest that the variant might not be associated with a high penetrance dominant disease. To our knowledge, no occurrence of c.3337G>A in individuals affected with Spinocerebellar Ataxia 45 and no experimental evidence demonstrating its impact on protein function have been reported. No submitters have provided clinical-significance assessments for this variant to ClinVar after 2014. Based on the evidence outlined above, the variant was classified as likely benign.

NM_001447.3(FAT2):c.3337G>A (p.Gly1113Ser)

Gene: FAT2 (FAT atypical cadherin 2; minus strand). Cytogenetic location: 5q33.1.
Variant type: single nucleotide variant.
Coding change: c.3337G>A on transcript NM_001447.3 (MANE Select); coding-DNA position 3337, G replaced by A.
Protein change: p.Gly1113Ser; replaces glycine 1113 with serine.
Molecular consequence: missense variant.
Genome position (GRCh38, 1-based): chr5:151,563,562, C>T on the plus strand (G>A on the coding strand, the complement: FAT2 is on the minus strand). VCF-style: chr5-151563562-C-T. GRCh37 (hg19) VCF-style: chr5-150943123-C-T.
Other names: short protein forms G1113S.
Identifiers: ClinVar variation 2429183 (VCV002429183.6), dbSNP rs374886263, ClinGen allele CA3521857.
Genomic context (GRCh38, chr5:151,563,562, plus strand): 5'-TGTCATTGGCATCCGTAACCTCGATGTAGACTTCAGTTACAGAAGAGAGGGGCACAGAAC[C>T]CCTGTCCACTGCTAATACCGTCAACCAGTAGTAAGATGCAAATTCTCGGTCCAGGGGTGC-3'
Protein context (NP_001438.1, residues 1103-1123): YWLTVLAVDR[Gly1113Ser]SVPLSSVTEV